The following is an entry in ClinVar:

NM_006231.4(POLE):c.2174A>T (p.Asp725Val)

Gene: POLE (DNA polymerase epsilon, catalytic subunit; minus strand). Cytogenetic location: 12q24.33.
Variant type: single nucleotide variant.
Coding change: c.2174A>T on transcript NM_006231.4 (MANE Select); coding-DNA position 2174, A replaced by T.
Protein change: p.Asp725Val; replaces aspartic acid 725 with valine.
Molecular consequence: missense variant.
Genome position (GRCh38, 1-based): chr12:132,667,648, T>A on the plus strand (A>T on the coding strand, the complement: POLE is on the minus strand). VCF-style: chr12-132667648-T-A. GRCh37 (hg19) VCF-style: chr12-133244234-T-A.
Other names: short protein forms D725V.
Identifiers: ClinVar variation 854260 (VCV000854260.10), dbSNP rs2042827319, ClinGen allele CA387353384.

ClinVar aggregate classification (germline): Uncertain significance (1 of 4 stars; one submission).

Submission:

Labcorp Genetics (formerly Invitae), Labcorp
Classification: Uncertain significance. Last evaluated: 2023-10-17. Review status: criteria provided, single submitter. Criteria: Invitae Variant Classification Sherloc (09022015). Collection method: clinical testing. Allele origin: germline.
Comment: This sequence change replaces aspartic acid, which is acidic and polar, with valine, which is neutral and non-polar, at codon 725 of the POLE protein (p.Asp725Val). This variant is not present in population databases (gnomAD no frequency). This variant has not been reported in the literature in individuals affected with POLE-related conditions. ClinVar contains an entry for this variant (Variation ID: 854260). An algorithm developed to predict the effect of missense changes on protein structure and function (PolyPhen-2) suggests that this variant is likely to be disruptive. In summary, the available evidence is currently insufficient to determine the role of this variant in disease. Therefore, it has been classified as a Variant of Uncertain Significance.